The following is an entry in ClinVar:

ClinVar aggregate classification (germline): Uncertain significance. Review status: criteria provided, multiple submitters, no conflicts (2 of 4 stars). 2 submissions from 2 submitters: Uncertain significance (2). Last evaluated 2025-08-09.

Conditions:
Inborn genetic diseases. Identifiers: MedGen C0950123, MeSH D030342.
Joubert syndrome. Also called: CEREBELLOPARENCHYMAL DISORDER IV; JOUBERT-BOLTSHAUSER SYNDROME; Familial aplasia of the vermis. Identifiers: Orphanet 475, MedGen C5979921, MONDO:0018772.

Allele frequency attached by ClinVar (database versions not stated): gnomAD exomes 0.00001 and below 0.00001; ExAC 0.00003.

Submissions (2):

Ambry Genetics
Classification: Uncertain significance for Inborn genetic diseases. Last evaluated: 2025-08-09. Review status: criteria provided, single submitter. Criteria: Ambry Variant Classification Scheme 2023. Collection method: clinical testing. Allele origin: germline.

Labcorp Genetics (formerly Invitae), Labcorp
Classification: Uncertain significance for Joubert syndrome. Last evaluated: 2022-07-26. Review status: criteria provided, single submitter. Criteria: Invitae Variant Classification Sherloc (09022015). Collection method: clinical testing. Allele origin: germline.
Comment: This sequence change replaces isoleucine, which is neutral and non-polar, with leucine, which is neutral and non-polar, at codon 831 of the AHI1 protein (p.Ile831Leu). This variant is present in population databases (rs746256168, gnomAD 0.01%). This variant has not been reported in the literature in individuals affected with AHI1-related conditions. ClinVar contains an entry for this variant (Variation ID: 1522687). Algorithms developed to predict the effect of missense changes on protein structure and function output the following: SIFT: "Tolerated"; PolyPhen-2: "Benign"; Align-GVGD: "Class C0". The leucine amino acid residue is found in multiple mammalian species, which suggests that this missense change does not adversely affect protein function. In summary, the available evidence is currently insufficient to determine the role of this variant in disease. Therefore, it has been classified as a Variant of Uncertain Significance.

NM_001134831.2(AHI1):c.2491A>T (p.Ile831Leu)

Gene: AHI1 (Abelson helper integration site 1; minus strand). Cytogenetic location: 6q23.3.
Variant type: single nucleotide variant.
Coding change: c.2491A>T on transcript NM_001134831.2 (MANE Select); coding-DNA position 2491, A replaced by T.
Protein change: p.Ile831Leu; replaces isoleucine 831 with leucine.
Molecular consequence: missense variant.
Genome position (GRCh38, 1-based): chr6:135,429,883, T>A on the plus strand (A>T on the coding strand, the complement: AHI1 is on the minus strand). VCF-style: chr6-135429883-T-A. GRCh37 (hg19) VCF-style: chr6-135751021-T-A.
Other names: c.2491A>T, p.Ile831Leu (NM_001134830.2, NM_001134832.2, NM_001350503.2 and 2 more transcripts); c.2491A>T (NM_017651.4); short protein forms I831L.
Identifiers: ClinVar variation 1522687 (VCV001522687.4), dbSNP rs746256168, ClinGen allele CA4012368.